The following is an entry in ClinVar:

ClinVar aggregate classification (germline): Uncertain significance (1 of 4 stars; one submission).

Conditions:
Long QT syndrome (LQTS). Identifiers: MedGen C0023976, MeSH D008133, MONDO:0002442. Disease mechanism: loss of function. Inheritance: Various modes of inheritance.

Submission:

Labcorp Genetics (formerly Invitae), Labcorp
Classification: Uncertain significance for Long QT syndrome. Last evaluated: 2021-10-07. Review status: criteria provided, single submitter. Criteria: Invitae Variant Classification Sherloc (09022015). Collection method: clinical testing. Allele origin: germline.
Comment: This sequence change replaces alanine with proline at codon 128 of the KCNQ1 protein (p.Ala128Pro). The alanine residue is weakly conserved and there is a small physicochemical difference between alanine and proline. In summary, the available evidence is currently insufficient to determine the role of this variant in disease. Therefore, it has been classified as a Variant of Uncertain Significance. Algorithms developed to predict the effect of missense changes on protein structure and function (SIFT, PolyPhen-2, Align-GVGD) all suggest that this variant is likely to be tolerated. This variant has not been reported in the literature in individuals affected with KCNQ1-related conditions. This variant is not present in population databases (ExAC no frequency).

NM_000218.3(KCNQ1):c.382G>C (p.Ala128Pro)

Gene: KCNQ1 (potassium voltage-gated channel subfamily Q member 1; plus strand). Cytogenetic location: 11p15.5.
Variant type: single nucleotide variant.
Coding change: c.382G>C on transcript NM_000218.3 (MANE Select); coding-DNA position 382, G replaced by C.
Protein change: p.Ala128Pro; replaces alanine 128 with proline.
Molecular consequence: missense variant.
Genome position (GRCh38, 1-based): chr11:2,445,480, G>C. VCF-style: chr11-2445480-G-C. GRCh37 (hg19) VCF-style: chr11-2466710-G-C.
Other names: short protein forms A128P.
Identifiers: ClinVar variation 1445106 (VCV001445106.6), dbSNP rs2133560384, ClinGen allele CA379117857.